The following is an entry in ClinVar:

ClinVar aggregate classification (germline): Uncertain significance. Review status: criteria provided, multiple submitters, no conflicts (2 of 4 stars). 2 submissions from 2 submitters: Uncertain significance (2). Last evaluated 2021-09-01.

Conditions:
Primary ciliary dyskinesia. Also called: Ciliary dyskinesia. Identifiers: Orphanet 244, MedGen C0008780, MONDO:0016575, HP:0012265.

Allele frequency attached by ClinVar (database versions not stated): gnomAD exomes 0.00001 and 0.00002; gnomAD 0.00005 and 0.00007; TOPMed 0.00005; 1000 Genomes Project 0.00040; 1000 Genomes Project 30x 0.00062.
gnomAD v4.1: 25 of 1,548,058 alleles (0.0016%); highest among the groups gnomAD compares: African/African-American, 0.012%; no homozygotes.

Submissions (2):

Labcorp Genetics (formerly Invitae), Labcorp
Classification: Uncertain significance for Primary ciliary dyskinesia. Last evaluated: 2021-09-01. Review status: criteria provided, single submitter. Criteria: Invitae Variant Classification Sherloc (09022015). Collection method: clinical testing. Allele origin: germline.
Comment: This sequence change replaces arginine with cysteine at codon 158 of the CCDC114 protein (p.Arg158Cys). The arginine residue is moderately conserved and there is a large physicochemical difference between arginine and cysteine. This variant is not present in population databases (ExAC no frequency). This variant has not been reported in the literature in individuals affected with CCDC114-related conditions. Algorithms developed to predict the effect of missense changes on protein structure and function are either unavailable or do not agree on the potential impact of this missense change (SIFT: "Deleterious"; PolyPhen-2: "Benign"; Align-GVGD: "Class C0"). In summary, the available evidence is currently insufficient to determine the role of this variant in disease. Therefore, it has been classified as a Variant of Uncertain Significance.

Ambry Genetics
Classification: Uncertain significance for Primary ciliary dyskinesia. Last evaluated: 2018-04-12. Review status: criteria provided, single submitter. Criteria: Ambry Variant Classification Scheme 2023. Collection method: clinical testing. Allele origin: germline.
Comment: The p.R158C variant (also known as c.472C>T), located in coding exon 4 of the CCDC114 gene, results from a C to T substitution at nucleotide position 472. The arginine at codon 158 is replaced by cysteine, an amino acid with highly dissimilar properties. This amino acid position is not well conserved in available vertebrate species. In addition, the in silico prediction for this alteration is inconclusive. Since supporting evidence is limited at this time, the clinical significance of this alteration remains unclear.

NM_001364171.2(ODAD1):c.583C>T (p.Arg195Cys)

Gene: ODAD1 (outer dynein arm docking complex subunit 1; minus strand). Cytogenetic location: 19q13.33.
Variant type: single nucleotide variant.
Coding change: c.583C>T on transcript NM_001364171.2 (MANE Select); coding-DNA position 583, C replaced by T.
Protein change: p.Arg195Cys; replaces arginine 195 with cysteine.
Molecular consequence: missense variant.
Genome position (GRCh38, 1-based): chr19:48,311,567, G>A on the plus strand (C>T on the coding strand, the complement: ODAD1 is on the minus strand). VCF-style: chr19-48311567-G-A. GRCh37 (hg19) VCF-style: chr19-48814824-G-A.
Other names: c.472C>T, p.Arg158Cys (NM_144577.4); short protein forms R158C, R195C.
Identifiers: ClinVar variation 1682887 (VCV001682887.7), dbSNP rs377507314, ClinGen allele CA309310873.